The following is an entry in ClinVar:

NM_006180.6(NTRK2):c.1330G>A (p.Gly444Arg)

Gene: NTRK2 (neurotrophic receptor tyrosine kinase 2; plus strand). Cytogenetic location: 9q21.33.
Variant type: single nucleotide variant.
Coding change: c.1330G>A on transcript NM_006180.6 (MANE Select); coding-DNA position 1330, G replaced by A.
Protein change: p.Gly444Arg; replaces glycine 444 with arginine.
Molecular consequence: missense variant.
Genome position (GRCh38, 1-based): chr9:84,752,019, G>A. VCF-style: chr9-84752019-G-A. GRCh37 (hg19) VCF-style: chr9-87366934-G-A.
Other names: c.1330G>A, p.Gly444Arg (NM_001369543.1, NM_001369544.1, NM_001369545.1 and 16 more transcripts); c.1291G>A, p.Gly431Arg (NM_001291937.2, NM_001369546.1); c.1294G>A, p.Gly432Arg (NM_001369534.1); c.862G>A, p.Gly288Arg (NM_001369535.1, NM_001369550.1, NM_001369551.1 and 2 more transcripts); short protein forms G288R, G432R, G431R, G444R.
Identifiers: ClinVar variation 2744705 (VCV002744705.3), dbSNP rs1085308029, ClinGen allele CA374008304.

ClinVar aggregate classification (germline): Uncertain significance (1 of 4 stars; one submission).

Submission:

Labcorp Genetics (formerly Invitae), Labcorp
Classification: Uncertain significance. Last evaluated: 2024-03-28. Review status: criteria provided, single submitter. Criteria: Invitae Variant Classification Sherloc (09022015). Collection method: clinical testing. Allele origin: germline.
Comment: This sequence change replaces glycine, which is neutral and non-polar, with arginine, which is basic and polar, at codon 444 of the NTRK2 protein (p.Gly444Arg). This variant is not present in population databases (gnomAD no frequency). This variant has not been reported in the literature in individuals affected with NTRK2-related conditions. An algorithm developed to predict the effect of missense changes on protein structure and function (PolyPhen-2) suggests that this variant is likely to be disruptive. In summary, the available evidence is currently insufficient to determine the role of this variant in disease. Therefore, it has been classified as a Variant of Uncertain Significance.